The following is an entry in ClinVar:

NM_001387430.1(SH2B1):c.372A>G (p.Arg124=)

Gene: SH2B1 (SH2B adaptor protein 1; plus strand). Cytogenetic location: 16p11.2.
Variant type: single nucleotide variant.
Coding change: c.372A>G on transcript NM_001387430.1 (MANE Select); coding-DNA position 372, A replaced by G.
Protein change: p.Arg124=; no amino-acid change (arginine 124 retained).
Molecular consequence: synonymous variant. On other transcripts: intron variant (1).
Genome position (GRCh38, 1-based): chr16:28,866,466, A>G. VCF-style: chr16-28866466-A-G. GRCh37 (hg19) VCF-style: chr16-28877787-A-G.
Other names: c.372A>G, p.Arg124= (NM_001145795.2, NM_001145796.2, NM_001145797.2 and 4 more transcripts); c.-26-908A>G (NM_001308294.2).
Identifiers: ClinVar variation 4990075 (VCV004990075.1).

ClinVar aggregate classification (germline): Likely benign (1 of 4 stars; one submission).

Conditions:
SH2B1-related disorder. Also called: SH2B1-related condition.

gnomAD v4.1: 2 of 1,613,780 alleles (0.00012%); highest among the groups gnomAD compares: South Asian, 0.0011%; no homozygotes.

Submission:

PreventionGenetics, part of Exact Sciences
Classification: Likely benign for SH2B1-related condition. Last evaluated: 2025-03-16. Review status: criteria provided, single submitter. Criteria: ACMG Guidelines, 2015. Collection method: clinical testing. Allele origin: germline.
Comment: This variant is classified as likely benign based on ACMG/AMP sequence variant interpretation guidelines (Richards et al. 2015 PMID: 25741868, with internal and published modifications).